The following is an entry in ClinVar:

NM_001271.4(CHD2):c.987A>G (p.Gln329=)

Gene: CHD2 (chromodomain helicase DNA binding protein 2; plus strand). Cytogenetic location: 15q26.1.
Variant type: single nucleotide variant.
Coding change: c.987A>G on transcript NM_001271.4 (MANE Select); coding-DNA position 987, A replaced by G.
Protein change: p.Gln329=; no amino-acid change (glutamine 329 retained).
Molecular consequence: synonymous variant.
Genome position (GRCh38, 1-based): chr15:92,943,003, A>G. VCF-style: chr15-92943003-A-G. GRCh37 (hg19) VCF-style: chr15-93486233-A-G.
Other names: c.987A>G (NM_001271.3); c.987A>G, p.Gln329= (NM_001042572.3).
Identifiers: ClinVar variation 1624013 (VCV001624013.10), dbSNP rs758605280, ClinGen allele CA7747670.

ClinVar aggregate classification (germline): Likely benign. Review status: criteria provided, single submitter (1 of 4 stars). 2 submissions from 2 submitters: Likely benign (1). 1 of the submissions does not count toward it. Last evaluated 2021-03-27.

Conditions:
CHD2-related disorder. Also called: CHD2-related condition.
Developmental and epileptic encephalopathy 94 (DEE94). Also called: CHD2-Related Neurodevelopmental Disorders; Epileptic encephalopathy, childhood-onset. Identifiers: Orphanet 1942, Orphanet 2382, MedGen C3809278, MONDO:0014150, OMIM 615369.

Allele frequency attached by ClinVar (database versions not stated): ExAC 0.00001; gnomAD exomes 0.00001; gnomAD 0.00003 and 0.00004; TOPMed 0.00003.
gnomAD v4.1: 8 of 1,614,022 alleles (0.0005%); highest among the groups gnomAD compares: African/African-American, 0.0093%; no homozygotes.

Submissions (2):

Labcorp Genetics (formerly Invitae), Labcorp
Classification: Likely benign for Developmental and epileptic encephalopathy 94. Last evaluated: 2021-03-27. Review status: criteria provided, single submitter. Criteria: Invitae Variant Classification Sherloc (09022015). Collection method: clinical testing. Allele origin: germline.

PreventionGenetics, part of Exact Sciences
Classification: Likely benign for CHD2-related condition. Last evaluated: 2022-03-16. Review status: no assertion criteria provided. Collection method: clinical testing. Allele origin: germline. Not counted in ClinVar's aggregate classification.
Comment: This variant is classified as likely benign based on ACMG/AMP sequence variant interpretation guidelines (Richards et al. 2015 PMID: 25741868, with internal and published modifications).